The following is an entry in ClinVar:

NM_182641.4(BPTF):c.208G>T (p.Gly70Cys)

Gene: BPTF (bromodomain PHD finger transcription factor; plus strand). Cytogenetic location: 17q24.2.
Variant type: single nucleotide variant.
Coding change: c.208G>T on transcript NM_182641.4 (MANE Select); coding-DNA position 208, G replaced by T.
Protein change: p.Gly70Cys; replaces glycine 70 with cysteine.
Molecular consequence: missense variant.
Genome position (GRCh38, 1-based): chr17:67,825,932, G>T. VCF-style: chr17-67825932-G-T. GRCh37 (hg19) VCF-style: chr17-65822048-G-T.
Other names: c.208G>T, p.Gly70Cys (NM_004459.7); short protein forms G70C.
Identifiers: ClinVar variation 2399558 (VCV002399558.3), dbSNP rs189405336, ClinGen allele CA400715483.

ClinVar aggregate classification (germline): Uncertain significance. Review status: criteria provided, multiple submitters, no conflicts (2 of 4 stars). 2 submissions from 2 submitters: Uncertain significance (2). Last evaluated 2024-11-09.

Conditions:
BPTF-related disorder. Also called: BPTF-related condition.
Inborn genetic diseases. Identifiers: MedGen C0950123, MeSH D030342.

Submissions (2):

PreventionGenetics, part of Exact Sciences
Classification: Uncertain significance for BPTF-related condition. Last evaluated: 2024-11-09. Review status: criteria provided, single submitter. Criteria: ACMG Guidelines, 2015. Collection method: clinical testing. Allele origin: germline.
Comment: The BPTF c.208G>T variant is predicted to result in the amino acid substitution p.Gly70Cys. To our knowledge, this variant has not been reported in the literature or in a large population database (gnomAD), indicating this variant is rare. At this time, the clinical significance of this variant is uncertain due to the absence of conclusive functional and genetic evidence.

Ambry Genetics
Classification: Uncertain significance for Inborn genetic diseases. Last evaluated: 2022-09-26. Review status: criteria provided, single submitter. Criteria: Ambry Variant Classification Scheme 2023. Collection method: clinical testing. Allele origin: germline.